The following is an entry in ClinVar:

ClinVar aggregate classification (germline): Uncertain significance (1 of 4 stars; one submission).

Conditions:
RYR1-related disorder. Also called: RYR1-related condition; RYR1-related disorders. Identifiers: MedGen CN239331.

Submission:

Labcorp Genetics (formerly Invitae), Labcorp
Classification: Uncertain significance for RYR1-related disorder. Last evaluated: 2023-04-20. Review status: criteria provided, single submitter. Criteria: Invitae Variant Classification Sherloc (09022015). Collection method: clinical testing. Allele origin: germline.
Comment: This sequence change replaces glycine, which is neutral and non-polar, with arginine, which is basic and polar, at codon 3126 of the RYR1 protein (p.Gly3126Arg). This variant is not present in population databases (gnomAD no frequency). This variant has not been reported in the literature in individuals affected with RYR1-related conditions. Advanced modeling of protein sequence and biophysical properties (such as structural, functional, and spatial information, amino acid conservation, physicochemical variation, residue mobility, and thermodynamic stability) performed at Invitae indicates that this missense variant is not expected to disrupt RYR1 protein function. In summary, the available evidence is currently insufficient to determine the role of this variant in disease. Therefore, it has been classified as a Variant of Uncertain Significance.

NM_000540.3(RYR1):c.9376G>C (p.Gly3126Arg)

Gene: RYR1 (ryanodine receptor 1; plus strand). Cytogenetic location: 19q13.2.
Variant type: single nucleotide variant.
Coding change: c.9376G>C on transcript NM_000540.3 (MANE Select); coding-DNA position 9376, G replaced by C.
Protein change: p.Gly3126Arg; replaces glycine 3126 with arginine.
Molecular consequence: missense variant.
Genome position (GRCh38, 1-based): chr19:38,512,387, G>C. VCF-style: chr19-38512387-G-C. GRCh37 (hg19) VCF-style: chr19-39003027-G-C.
Other names: c.9376G>C, p.Gly3126Arg (NM_001042723.2); short protein forms G3126R.
Identifiers: ClinVar variation 2857873 (VCV002857873.3), dbSNP rs2514406637, ClinGen allele CA405687234.